The following is an entry in ClinVar:

NM_004329.3(BMPR1A):c.431-20T>C

Gene: BMPR1A (bone morphogenetic protein receptor type 1A; plus strand). Cytogenetic location: 10q23.2.
Variant type: single nucleotide variant.
Coding change: c.431-20T>C on transcript NM_004329.3 (MANE Select); 20 bases into the intron before coding-DNA position 431, T replaced by C.
Molecular consequence: intron variant.
Genome position (GRCh38, 1-based): chr10:86,900,007, T>C. VCF-style: chr10-86900007-T-C. GRCh37 (hg19) VCF-style: chr10-88659764-T-C.
Other names: c.431-20T>C (NM_001406562.1, NM_001406568.1, NM_001406567.1 and 22 more transcripts); c.347-20T>C (NM_001406584.1, NM_001406588.1, NM_001406587.1 and 2 more transcripts); c.333+7778T>C (NM_001406589.1).
Identifiers: ClinVar variation 3378630 (VCV003378630.1).

ClinVar aggregate classification (germline): Likely benign (1 of 4 stars; one submission).

Conditions:
Juvenile polyposis syndrome (JPS). Identifiers: Orphanet 2929, MedGen C0345893, MONDO:0017380, OMIM 174900.

Submission:

Myriad Genetics, Inc.
Classification: Likely benign for Juvenile polyposis syndrome. Last evaluated: 2024-08-01. Review status: criteria provided, single submitter. Criteria: Myriad Autosomal Dominant, Autosomal Recessive and X-Linked Classification Criteria (2023). Collection method: clinical testing. Allele origin: unknown.
Comment: This variant is considered likely benign. This variant is intronic and is not expected to impact mRNA splicing.